The following is an entry in ClinVar:

NM_004560.4(ROR2):c.2109G>T (p.Glu703Asp)

Gene: ROR2 (ROR family WNT receptor 2; minus strand). Cytogenetic location: 9q22.31.
Variant type: single nucleotide variant.
Coding change: c.2109G>T on transcript NM_004560.4 (MANE Select); coding-DNA position 2109, G replaced by T.
Protein change: p.Glu703Asp; replaces glutamic acid 703 with aspartic acid.
Molecular consequence: missense variant.
Genome position (GRCh38, 1-based): chr9:91,724,385, C>A on the plus strand (G>T on the coding strand, the complement: ROR2 is on the minus strand). VCF-style: chr9-91724385-C-A. GRCh37 (hg19) VCF-style: chr9-94486667-C-A.
Other names: short protein forms E703D.
Identifiers: ClinVar variation 730310 (VCV000730310.13), dbSNP rs200805854, ClinGen allele CA5120489.
Genomic context (GRCh38, chr9:91,724,385, plus strand): 5'-GGCATACACCCAGGCGGGACAGTCATCGGGGCAAGGCAGCACCTGCCGGTTCCGGATCAT[C>A]TCCACCACATCCTGGTTGGAGTACCCGCAGTAGGGCTGCAGGCCGTAGCTGAAGACCTCC-3'
Protein context (NP_004551.2, residues 693-713): YCGYSNQDVV[Glu703Asp]MIRNRQVLPC

ClinVar aggregate classification (germline): Benign/Likely benign. Review status: criteria provided, multiple submitters, no conflicts (2 of 4 stars). 3 submissions from 3 submitters: Benign (2); Likely benign (1). Last evaluated 2026-01-29.

Conditions:
ROR2-related disorder. Also called: ROR2-related disorders; ROR2-related condition.

Allele frequency attached by ClinVar (database versions not stated): gnomAD 0.00025 and 0.00027; TOPMed 0.00034; gnomAD exomes 0.00073 and 0.00012; ExAC 0.00074; 1000 Genomes Project 0.00100; 1000 Genomes Project 30x 0.00109.
gnomAD v4.1: 218 of 1,614,116 alleles (0.014%); highest among the groups gnomAD compares: East Asian, 0.46%; no homozygotes.

Submissions (3):

PreventionGenetics, part of Exact Sciences
Classification: Benign for ROR2-related condition. Last evaluated: 2026-01-29. Review status: criteria provided, single submitter. Criteria: ACMG Guidelines, 2015. Collection method: clinical testing. Allele origin: germline.
Comment: This variant is classified as benign based on ACMG/AMP sequence variant interpretation guidelines (Richards et al. 2015 PMID: 25741868, with internal and published modifications).

Labcorp Genetics (formerly Invitae), Labcorp
Classification: Benign. Last evaluated: 2025-07-23. Review status: criteria provided, single submitter. Criteria: Invitae Variant Classification Sherloc (09022015). Collection method: clinical testing. Allele origin: germline.

Blueprint Genetics
Classification: Likely benign. Last evaluated: 2024-03-07. Review status: criteria provided, single submitter. Criteria: ACMG Guidelines, 2015. Collection method: clinical testing. Allele origin: germline.